The following is an entry in ClinVar:

NM_004304.5(ALK):c.2711A>C (p.His904Pro)

Gene: ALK (ALK receptor tyrosine kinase; minus strand). Cytogenetic location: 2p23.2.
Variant type: single nucleotide variant.
Coding change: c.2711A>C on transcript NM_004304.5 (MANE Select); coding-DNA position 2711, A replaced by C.
Protein change: p.His904Pro; replaces histidine 904 with proline.
Molecular consequence: missense variant.
Genome position (GRCh38, 1-based): chr2:29,228,988, T>G on the plus strand (A>C on the coding strand, the complement: ALK is on the minus strand). VCF-style: chr2-29228988-T-G. GRCh37 (hg19) VCF-style: chr2-29451854-T-G.
Other names: c.2711A>C (NM_004304.4); short protein forms H904P.
Identifiers: ClinVar variation 2099238 (VCV002099238.5), dbSNP rs2465978222, ClinGen allele CA346469886.

ClinVar aggregate classification (germline): Uncertain significance. Review status: criteria provided, multiple submitters, no conflicts (2 of 4 stars). 2 submissions from 2 submitters: Uncertain significance (2). Last evaluated 2025-12-13.

Conditions:
Neuroblastoma, susceptibility to, 3. Also called: ALK-Related Neuroblastic Tumor Susceptibility. Identifiers: Orphanet 635, MedGen C2751681, MONDO:0013083, OMIM 613014.
Hereditary cancer-predisposing syndrome. Also called: Hereditary Cancer Syndrome; Tumor predisposition; Neoplastic Syndromes, Hereditary; Hereditary neoplastic syndrome. Identifiers: Orphanet 140162, MedGen C0027672, MeSH D009386, MONDO:0015356.

Submissions (2):

Ambry Genetics
Classification: Uncertain significance for Hereditary cancer-predisposing syndrome. Last evaluated: 2025-12-13. Review status: criteria provided, single submitter. Criteria: Ambry Variant Classification Scheme 2023. Collection method: clinical testing. Allele origin: germline.
Comment: The p.H904P variant (also known as c.2711A>C), located in coding exon 16 of the ALK gene, results from an A to C substitution at nucleotide position 2711. The histidine at codon 904 is replaced by proline, an amino acid with similar properties. This amino acid position is conserved. In addition, this alteration is predicted to be tolerated by in silico analysis. Based on the available evidence, the clinical significance of this variant remains unclear.

Labcorp Genetics (formerly Invitae), Labcorp
Classification: Uncertain significance for Neuroblastoma, susceptibility to, 3. Last evaluated: 2023-06-25. Review status: criteria provided, single submitter. Criteria: Invitae Variant Classification Sherloc (09022015). Collection method: clinical testing. Allele origin: germline.
Comment: In summary, the available evidence is currently insufficient to determine the role of this variant in disease. Therefore, it has been classified as a Variant of Uncertain Significance. An algorithm developed to predict the effect of missense changes on protein structure and function (PolyPhen-2) suggests that this variant is likely to be disruptive. ClinVar contains an entry for this variant (Variation ID: 2099238). This variant has not been reported in the literature in individuals affected with ALK-related conditions. This variant is not present in population databases (gnomAD no frequency). This sequence change replaces histidine, which is basic and polar, with proline, which is neutral and non-polar, at codon 904 of the ALK protein (p.His904Pro).